The following is an entry in ClinVar:

NM_005359.6(SMAD4):c.743A>T (p.Gln248Leu)

Gene: SMAD4 (SMAD family member 4; plus strand). Cytogenetic location: 18q21.2.
Variant type: single nucleotide variant.
Coding change: c.743A>T on transcript NM_005359.6 (MANE Select); coding-DNA position 743, A replaced by T.
Protein change: p.Gln248Leu; replaces glutamine 248 with leucine.
Molecular consequence: missense variant.
Genome position (GRCh38, 1-based): chr18:51,058,200, A>T. VCF-style: chr18-51058200-A-T. GRCh37 (hg19) VCF-style: chr18-48584570-A-T.
Other names: short protein forms Q248L.
Identifiers: ClinVar variation 185388 (VCV000185388.34), dbSNP rs751985298, ClinGen allele CA191787.

ClinVar aggregate classification (germline): Conflicting classifications of pathogenicity. Review status: criteria provided, conflicting classifications (1 of 4 stars). 10 submissions from 10 submitters: Uncertain significance (6); Benign (1); Likely benign (1). 2 of the submissions do not count toward it. Last evaluated 2025-10-06.

Conditions:
SMAD4-related disorder. Also called: SMAD4-Related disorders; SMAD4-related condition.
Juvenile polyposis syndrome (JPS). Identifiers: Orphanet 2929, MedGen C0345893, MONDO:0017380, OMIM 174900.
Familial thoracic aortic aneurysm and aortic dissection (TAAD). Also called: Thoracic aortic aneurysms and dissections. Identifiers: Orphanet 91387, MedGen C4707243, MONDO:0019625.
Hereditary cancer-predisposing syndrome. Also called: Neoplastic Syndromes, Hereditary; Tumor predisposition; Hereditary neoplastic syndrome; Hereditary Cancer Syndrome. Identifiers: Orphanet 140162, MedGen C0027672, MeSH D009386, MONDO:0015356.
Juvenile polyposis/hereditary hemorrhagic telangiectasia syndrome (JPHT). Also called: JP/HHT SYNDROME; JUVENILE POLYPOSIS WITH HEREDITARY HEMORRHAGIC TELANGIECTASIA; POLYPOSIS, GENERALIZED JUVENILE, WITH PULMONARY ARTERIOVENOUS MALFORMATION; TELANGIECTASIA, HEREDITARY HEMORRHAGIC, WITH JUVENILE POLYPOSIS COLI; Juvenile Polyposis Syndrome / Hereditary Hemorrhagic Telangiectasia (JPS/HHT). Identifiers: Orphanet 2929, MedGen C1832942, MONDO:0008278, OMIM 175050.

Allele frequency attached by ClinVar (database versions not stated): ExAC 0.00001; gnomAD 0.00001; gnomAD exomes 0.00001 and 0.00002; TOPMed 0.00002.

Submissions (10):

Labcorp Genetics (formerly Invitae), Labcorp
Classification: Benign for Juvenile polyposis syndrome. Last evaluated: 2025-10-06. Review status: criteria provided, single submitter. Criteria: Invitae Variant Classification Sherloc (09022015). Collection method: clinical testing. Allele origin: germline.

Quest Diagnostics Nichols Institute San Juan Capistrano
Classification: Uncertain significance. Last evaluated: 2024-12-05. Review status: criteria provided, single submitter. Criteria: Quest Diagnostics criteria. Collection method: clinical testing. Allele origin: unknown.
Comment: The SMAD4 c.743A>T (p.Gln248Leu) variant has not been reported in individuals with SMAD4-related conditions in the published literature. The frequency of this variant in the general population (Genome Aggregation Database) is uninformative in the assessment of its pathogenicity. Analysis of this variant using bioinformatics tools for the prediction of the effect of amino acid changes on protein structure and function yielded predictions that this variant is benign. Based on the available information, we are unable to determine the clinical significance of this variant.

All of Us Research Program, National Institutes of Health
Classification: Uncertain significance for Juvenile polyposis/hereditary hemorrhagic telangiectasia syndrome. Last evaluated: 2024-05-17. Review status: criteria provided, single submitter. Criteria: ACMG Guidelines, 2015. Collection method: clinical testing. Allele origin: germline. Inheritance: Autosomal dominant inheritance. Observed: 6 variant alleles, 6 heterozygotes.
Comment: This missense variant replaces glutamine with leucine at codon 248 of the SMAD4 protein. Computational prediction suggests that this variant may not impact protein structure and function (internally defined REVEL score threshold <= 0.5, PMID: 27666373). To our knowledge, functional studies have not been reported for this variant. This variant has not been reported in individuals affected with SMAD4-related disorders in the literature. This variant has been identified in 3/251448 chromosomes in the general population by the Genome Aggregation Database (gnomAD). The available evidence is insufficient to determine the role of this variant in disease conclusively. Therefore, this variant is classified as a Variant of Uncertain Significance.

This study involves interpretation of variants in research participants for the purpose of population health screening. Participant phenotype was not available at the time of variant classification. Additional details can be found in publication PMID: 35346344, PMCID: PMC8962531

Color Diagnostics, LLC DBA Color Health
Classification: Uncertain significance for Hereditary cancer-predisposing syndrome. Last evaluated: 2024-03-06. Review status: criteria provided, single submitter. Criteria: ACMG Guidelines, 2015. Collection method: clinical testing. Allele origin: germline.
Comment: This missense variant replaces glutamine with leucine at codon 248 of the SMAD4 protein. Computational prediction suggests that this variant may not impact protein structure and function (internally defined REVEL score threshold <= 0.5, PMID: 27666373). To our knowledge, functional studies have not been reported for this variant. This variant has not been reported in individuals affected with SMAD4-related disorders in the literature. This variant has been identified in 3/251448 chromosomes in the general population by the Genome Aggregation Database (gnomAD). The available evidence is insufficient to determine the role of this variant in disease conclusively. Therefore, this variant is classified as a Variant of Uncertain Significance.

Myriad Genetics, Inc.
Classification: Uncertain significance for Juvenile polyposis/hereditary hemorrhagic telangiectasia syndrome. Last evaluated: 2023-04-10. Review status: criteria provided, single submitter. Criteria: Myriad Autosomal Dominant, Autosomal Recessive and X-Linked Classification Criteria (2023). Collection method: clinical testing. Allele origin: unknown.
Comment: This variant is classified as a variant of uncertain significance as there is insufficient evidence to determine its impact on protein function and/or cancer risk.

GeneDx
Classification: Uncertain significance. Last evaluated: 2022-10-17. Review status: criteria provided, single submitter. Criteria: GeneDx Variant Classification Process June 2021. Collection method: clinical testing. Allele origin: germline. Affected: yes.
Comment: Not observed at significant frequency in large population cohorts (gnomAD); In silico analysis supports that this missense variant does not alter protein structure/function; Has not been previously published as pathogenic or benign to our knowledge; This variant is associated with the following publications: (PMID: 15235019, 18823382, 22992590)

Ambry Genetics
Classification: Likely benign for Hereditary cancer-predisposing syndrome; Familial thoracic aortic aneurysm and aortic dissection. Last evaluated: 2021-11-04. Review status: criteria provided, single submitter. Criteria: Ambry Variant Classification Scheme 2023. Collection method: clinical testing. Allele origin: germline.

Mayo Clinic Laboratories, Mayo Clinic
Classification: Uncertain significance. Last evaluated: 2020-07-29. Review status: criteria provided, single submitter. Criteria: ACMG Guidelines, 2015. Collection method: clinical testing. Allele origin: germline. Observed: 1 variant allele.

PreventionGenetics, part of Exact Sciences
Classification: Uncertain significance for SMAD4-related condition. Last evaluated: 2024-08-22. Review status: no assertion criteria provided. Collection method: clinical testing. Allele origin: germline. Not counted in ClinVar's aggregate classification.
Comment: The SMAD4 c.743A>T variant is predicted to result in the amino acid substitution p.Gln248Leu. To our knowledge, this variant has not been reported in the literature. This variant is reported in 0.0026% of alleles in individuals of European (Non-Finnish) descent in gnomAD and has conflicting interpretations regarding its pathogenicity in ClinVar, ranging from likely benign to uncertain. At this time, the clinical significance of this variant is uncertain due to the absence of conclusive functional and genetic evidence.

Counsyl
Classification: Uncertain significance for Juvenile polyposis syndrome. Last evaluated: 2017-05-10. Review status: no assertion criteria provided. Collection method: clinical testing. Allele origin: unknown. Not counted in ClinVar's aggregate classification.